The following is an entry in ClinVar:

ClinVar aggregate classification (germline): Pathogenic (1 of 4 stars; one submission).

Conditions:
Hereditary spastic paraplegia 11. Also called: Spastic Paraplegia 11; Spastic paraplegia, mental retardation and thin corpus callosum; SPASTIC PARAPLEGIA, AUTOSOMAL RECESSIVE, COMPLICATED, WITH THIN CORPUS CALLOSUM; SPASTIC PARAPLEGIA, AUTOSOMAL RECESSIVE, WITH MENTAL IMPAIRMENT AND THIN CORPUS CALLOSUM; Nakamura Osame syndrome; Autosomal recessive hereditary spastic paraplegia, mental impairment, and thin corpus callosum. Identifiers: Orphanet 2822, MedGen C1858479, MONDO:0011445, OMIM 604360.

Submission:

Labcorp Genetics (formerly Invitae), Labcorp
Classification: Pathogenic for Hereditary spastic paraplegia 11. Last evaluated: 2023-07-17. Review status: criteria provided, single submitter. Criteria: Invitae Variant Classification Sherloc (09022015). Collection method: clinical testing. Allele origin: germline.
Comment: This variant is not present in population databases (gnomAD no frequency). This sequence change creates a premature translational stop signal (p.Lys140Serfs*15) in the SPG11 gene. It is expected to result in an absent or disrupted protein product. Loss-of-function variants in SPG11 are known to be pathogenic (PMID: 19105190, 20110243, 22154821, 26556829). This variant has not been reported in the literature in individuals affected with SPG11-related conditions. For these reasons, this variant has been classified as Pathogenic.

Literature cited by the submitters: PubMed 19105190; PubMed 20110243; PubMed 22154821; PubMed 26556829.

NM_025137.4(SPG11):c.419del (p.Lys140fs)

Gene: SPG11 (SPG11 vesicle trafficking associated, spatacsin; minus strand). Cytogenetic location: 15q21.1.
Variant type: Deletion.
Coding change: c.419del on transcript NM_025137.4 (MANE Select); coding-DNA position 419, one base deleted (A; older notation c.419delA).
Protein change: p.Lys140fs; shifts the reading frame from lysine 140.
Molecular consequence: frameshift variant.
Genome position (GRCh38, 1-based): chr15:44,660,455, T deleted on the plus strand (A on the coding strand, the reverse complement: SPG11 is on the minus strand); the first of 4 consecutive T bases (chr15:44,660,455-44,660,458); deleting any one gives the same sequence. VCF-style (leftmost placement, unchanged base first): chr15-44660454-CT-C. GRCh37 (hg19) VCF-style: chr15-44952652-CT-C.
Other names: c.419del, p.Lys140fs (NM_001160227.2, NM_001411132.1); short protein forms K140fs.
Identifiers: ClinVar variation 2794492 (VCV002794492.3), dbSNP rs2505775671, ClinGen allele CA2739278885.